The following is an entry in ClinVar:

NM_004655.4(AXIN2):c.957-19G>A

Gene: AXIN2 (axin 2; minus strand). Cytogenetic location: 17q24.1.
Variant type: single nucleotide variant.
Coding change: c.957-19G>A on transcript NM_004655.4 (MANE Select); 19 bases into the intron before coding-DNA position 957, G replaced by A.
Molecular consequence: intron variant.
Genome position (GRCh38, 1-based): chr17:65,541,576, C>T on the plus strand (G>A on the coding strand, the complement: AXIN2 is on the minus strand). VCF-style: chr17-65541576-C-T. GRCh37 (hg19) VCF-style: chr17-63537694-C-T.
Other names: c.957-19G>A (NM_001363813.1).
Identifiers: ClinVar variation 2203211 (VCV002203211.5), dbSNP rs2144501144, ClinGen allele CA2580094991.
Genomic context (GRCh38, chr17:65,541,576, plus strand): 5'-AGCTGTTTCTTACTGCCCACACGATAAGGAGGAATTCCATCTCTAAGGGAAAGGAAAAGA[C>T]AGAATCCACAGGCTTACGAGGATGTTTTCAGCACATCACATGGGCTACTGTCATATGCCA-3'

ClinVar aggregate classification (germline): Likely benign. Review status: criteria provided, multiple submitters, no conflicts (2 of 4 stars). 2 submissions from 2 submitters: Likely benign (2). Last evaluated 2024-09-04.

Conditions:
Oligodontia-cancer predisposition syndrome. Also called: TOOTH AGENESIS-COLORECTAL CANCER SYNDROME. Identifiers: Orphanet 300576, MedGen C1837750, MONDO:0012075, OMIM 608615. Disease mechanism: loss of function.

Allele frequency attached by ClinVar (database versions not stated): gnomAD exomes 0.00001.
gnomAD v4.1: 7 of 1,593,952 alleles (0.00044%); highest among the groups gnomAD compares: Non-Finnish European, 0.0006%; no homozygotes.

Submissions (2):

Labcorp Genetics (formerly Invitae), Labcorp
Classification: Likely benign for Oligodontia-cancer predisposition syndrome. Last evaluated: 2024-09-04. Review status: criteria provided, single submitter. Criteria: Invitae Variant Classification Sherloc (09022015). Collection method: clinical testing. Allele origin: germline.

Myriad Genetics, Inc.
Classification: Likely benign for Oligodontia-cancer predisposition syndrome. Last evaluated: 2024-06-28. Review status: criteria provided, single submitter. Criteria: Myriad Autosomal Dominant, Autosomal Recessive and X-Linked Classification Criteria (2023). Collection method: clinical testing. Allele origin: unknown.
Comment: This variant is considered likely benign. This variant is intronic and is not expected to impact mRNA splicing.